The following is an entry in ClinVar:

NM_001868.4(CPA1):c.551T>C (p.Val184Ala)

Gene: CPA1 (carboxypeptidase A1; plus strand). Cytogenetic location: 7q32.2.
Variant type: single nucleotide variant.
Coding change: c.551T>C on transcript NM_001868.4 (MANE Select); coding-DNA position 551, T replaced by C.
Protein change: p.Val184Ala; replaces valine 184 with alanine.
Molecular consequence: missense variant.
Genome position (GRCh38, 1-based): chr7:130,383,458, T>C. VCF-style: chr7-130383458-T-C. GRCh37 (hg19) VCF-style: chr7-130023299-T-C.
Other names: short protein forms V184A.
Identifiers: ClinVar variation 3221831 (VCV003221831.1), dbSNP rs1554411496, ClinGen allele CA369282405.

ClinVar aggregate classification (germline): Uncertain significance (1 of 4 stars; one submission).

Conditions:
Hereditary pancreatitis (PCTT). Also called: Hereditary chronic pancreatitis; PRSS1-Related Hereditary Pancreatitis. Identifiers: Orphanet 676, MedGen C0238339, MONDO:0008185, OMIM 167800.

gnomAD v4.1: 1 of 1,614,166 alleles (0.000062%); highest among the groups gnomAD compares: Non-Finnish European, 0.000085%; no homozygotes.

Submission:

Ambry Genetics
Classification: Uncertain significance for Hereditary pancreatitis. Last evaluated: 2023-11-22. Review status: criteria provided, single submitter. Criteria: Ambry Variant Classification Scheme 2023. Collection method: clinical testing. Allele origin: germline.
Comment: The p.V184A variant (also known as c.551T>C), located in coding exon 5 of the CPA1 gene, results from a T to C substitution at nucleotide position 551. The valine at codon 184 is replaced by alanine, an amino acid with similar properties. This amino acid position is conserved. In addition, this alteration is predicted to be tolerated by in silico analysis. Since supporting evidence is limited at this time, the clinical significance of this alteration remains unclear.